The following is an entry in ClinVar:

ClinVar aggregate classification (germline): Uncertain significance (1 of 4 stars; one submission).

gnomAD v4.1: 3 of 1,206,880 alleles (0.00025%); highest among the groups gnomAD compares: Admixed American, 0.0044%; no homozygotes.

Submission:

GeneDx
Classification: Uncertain significance. Last evaluated: 2025-02-26. Review status: criteria provided, single submitter. Criteria: GeneDx Variant Classification Process June 2021. Collection method: clinical testing. Allele origin: germline. Affected: yes.
Comment: Not observed at significant frequency in large population cohorts (gnomAD); In silico analysis indicates that this missense variant does not alter protein structure/function; Has not been previously published as pathogenic or benign to our knowledge

NM_000489.6(ATRX):c.3369C>A (p.Asn1123Lys)

Gene: ATRX (ATRX chromatin remodeler; minus strand). Cytogenetic location: Xq21.1.
Variant type: single nucleotide variant.
Coding change: c.3369C>A on transcript NM_000489.6 (MANE Select); coding-DNA position 3369, C replaced by A.
Protein change: p.Asn1123Lys; replaces asparagine 1123 with lysine.
Molecular consequence: missense variant.
Genome position (GRCh38, 1-based): chrX:77,681,887, G>T on the plus strand (C>A on the coding strand, the complement: ATRX is on the minus strand). VCF-style: chrX-77681887-G-T. GRCh37 (hg19) VCF-style: chrX-76937379-G-T.
Other names: c.3255C>A, p.Asn1085Lys (NM_138270.5); short protein forms N1085K, N1123K.
Identifiers: ClinVar variation 4077209 (VCV004077209.1).